The following is an entry in ClinVar:

ClinVar aggregate classification (germline): Uncertain significance. Review status: criteria provided, multiple submitters, no conflicts (2 of 4 stars). 3 submissions from 3 submitters: Uncertain significance (3). Last evaluated 2024-12-24.

Conditions:
Inborn genetic diseases. Identifiers: MedGen C0950123, MeSH D030342.
Junctional epidermolysis bullosa with pyloric atresia. Also called: CARMI SYNDROME; EB-PA-ACC; Epidermolysis bullosa, junctional, with pyloric atresia and aplasia cutis congenita; Epidermolysis bullosa junctionalis with pyloric atresia; Junctional Epidermolysis Bullosa- Pyloric Atresia Syndrome; APLASIA CUTIS CONGENITA WITH GASTROINTESTINAL ATRESIA. Identifiers: Orphanet 79403, MedGen C5676875, MONDO:0009183, OMIM 226730.
Epidermolysis bullosa, junctional 5A, intermediate. Also called: EPIDERMOLYSIS BULLOSA, JUNCTIONAL 5A, GENERALIZED INTERMEDIATE; EPIDERMOLYSIS BULLOSA, JUNCTIONAL 5A, NON-HERLITZ TYPE. Identifiers: MedGen C5676956, MONDO:0030768, OMIM 619816.

Allele frequency attached by ClinVar (database versions not stated): ESP Exome Variant Server 0.00008; gnomAD 0.00019.
gnomAD v4.1: 144 of 1,613,924 alleles (0.0089%); highest among the groups gnomAD compares: Non-Finnish European, 0.0078%; 1 homozygote.

Submissions (3):

Ambry Genetics
Classification: Uncertain significance for Inborn genetic diseases. Last evaluated: 2024-12-24. Review status: criteria provided, single submitter. Criteria: Ambry Variant Classification Scheme 2023. Collection method: clinical testing. Allele origin: germline.

Fulgent Genetics
Classification: Uncertain significance for Junctional epidermolysis bullosa with pyloric atresia; Epidermolysis bullosa, junctional 5A, intermediate. Last evaluated: 2024-05-16. Review status: criteria provided, single submitter. Criteria: ACMG Guidelines, 2015. Collection method: clinical testing. Allele origin: germline.

Labcorp Genetics (formerly Invitae), Labcorp
Classification: Uncertain significance. Last evaluated: 2022-08-26. Review status: criteria provided, single submitter. Criteria: Invitae Variant Classification Sherloc (09022015). Collection method: clinical testing. Allele origin: germline.
Comment: This sequence change replaces glutamic acid, which is acidic and polar, with aspartic acid, which is acidic and polar, at codon 458 of the ITGB4 protein (p.Glu458Asp). This variant is present in population databases (rs369171710, gnomAD 0.05%). This variant has not been reported in the literature in individuals affected with ITGB4-related conditions. Algorithms developed to predict the effect of missense changes on protein structure and function are either unavailable or do not agree on the potential impact of this missense change (SIFT: "Not Available"; PolyPhen-2: "Probably Damaging"; Align-GVGD: "Not Available"). In summary, the available evidence is currently insufficient to determine the role of this variant in disease. Therefore, it has been classified as a Variant of Uncertain Significance.

NM_000213.5(ITGB4):c.1374G>C (p.Glu458Asp)

Gene: ITGB4 (integrin subunit beta 4; plus strand). Cytogenetic location: 17q25.1.
Variant type: single nucleotide variant.
Coding change: c.1374G>C on transcript NM_000213.5 (MANE Select); coding-DNA position 1374, G replaced by C.
Protein change: p.Glu458Asp; replaces glutamic acid 458 with aspartic acid.
Molecular consequence: missense variant.
Genome position (GRCh38, 1-based): chr17:75,731,970, G>C. VCF-style: chr17-75731970-G-C. GRCh37 (hg19) VCF-style: chr17-73728051-G-C.
Other names: c.1374G>C, p.Glu458Asp (NM_001005619.2, NM_001005731.3, NM_001321123.2); short protein forms E458D.
Identifiers: ClinVar variation 2179455 (VCV002179455.4), dbSNP rs369171710, ClinGen allele CA8768979.
Genomic context (GRCh38, chr17:75,731,970, plus strand): 5'-TTCCTTCTCCGACGGCCTCAAGATGGACGCGGGCATCATCTGTGATGTGTGCACCTGCGA[G>C]CTGGTACAACGCAGCCCCGCAGGGCGGGAGGGGAGAGCTGAGCCAAGCACCCAGGGACCC-3'
Protein context (NP_000204.3, residues 448-468): AGIICDVCTC[Glu458Asp]LQKEVRSARC